The following is an entry in ClinVar:

NM_018263.6(ASXL2):c.3974C>G (p.Pro1325Arg)

Gene: ASXL2 (ASXL transcriptional regulator 2; minus strand). Cytogenetic location: 2p23.3.
Variant type: single nucleotide variant.
Coding change: c.3974C>G on transcript NM_018263.6 (MANE Select); coding-DNA position 3974, C replaced by G.
Protein change: p.Pro1325Arg; replaces proline 1325 with arginine.
Molecular consequence: missense variant.
Genome position (GRCh38, 1-based): chr2:25,742,363, G>C on the plus strand (C>G on the coding strand, the complement: ASXL2 is on the minus strand). VCF-style: chr2-25742363-G-C. GRCh37 (hg19) VCF-style: chr2-25965232-G-C.
Other names: c.3800C>G, p.Pro1267Arg (NM_001369346.1); c.3194C>G, p.Pro1065Arg (NM_001369347.1); short protein forms P1065R, P1267R, P1325R.
Identifiers: ClinVar variation 1376565 (VCV001376565.9), dbSNP rs548343899, ClinGen allele CA1557385.

ClinVar aggregate classification (germline): Uncertain significance. Review status: criteria provided, multiple submitters, no conflicts (2 of 4 stars). 2 submissions from 2 submitters: Uncertain significance (2). Last evaluated 2025-12-30.

Allele frequency attached by ClinVar (database versions not stated): ExAC 0.00007; TOPMed 0.00008; gnomAD 0.00009; gnomAD exomes 0.00009; 1000 Genomes Project 0.00020; 1000 Genomes Project 30x 0.00031.
gnomAD v4.1: 129 of 1,611,980 alleles (0.008%); highest among the groups gnomAD compares: Non-Finnish European, 0.01%; no homozygotes.

Submissions (2):

Women's Health and Genetics/Laboratory Corporation of America, LabCorp
Classification: Uncertain significance. Last evaluated: 2025-12-30. Review status: criteria provided, single submitter. Criteria: LabCorp Variant Classification Summary - May 2015. Collection method: clinical testing. Allele origin: germline.
Comment: Variant summary: ASXL2 c.3974C>G (p.Pro1325Arg) results in a non-conservative amino acid change in the encoded protein sequence. Algorithms developed to predict the effect of missense changes on protein structure and function are either unavailable or do not agree on the potential impact of this missense change. The variant allele was found at a frequency of 9.3e-05 in 248310 control chromosomes. This frequency is not significantly higher than estimated for disease-causing variants in ASXL2, allowing no conclusion about variant significance. To our knowledge, no occurrence of c.3974C>G in individuals affected with ASXL2-related conditions and no experimental evidence demonstrating its impact on protein function have been reported. ClinVar contains an entry for this variant (Variation ID: 1376565). Based on the evidence outlined above, the variant was classified as uncertain significance.

Labcorp Genetics (formerly Invitae), Labcorp
Classification: Uncertain significance. Last evaluated: 2023-12-23. Review status: criteria provided, single submitter. Criteria: Invitae Variant Classification Sherloc (09022015). Collection method: clinical testing. Allele origin: germline.
Comment: This sequence change replaces proline, which is neutral and non-polar, with arginine, which is basic and polar, at codon 1325 of the ASXL2 protein (p.Pro1325Arg). This variant is present in population databases (rs548343899, gnomAD 0.02%). This variant has not been reported in the literature in individuals affected with ASXL2-related conditions. ClinVar contains an entry for this variant (Variation ID: 1376565). Advanced modeling of protein sequence and biophysical properties (such as structural, functional, and spatial information, amino acid conservation, physicochemical variation, residue mobility, and thermodynamic stability) performed at Invitae indicates that this missense variant is not expected to disrupt ASXL2 protein function with a negative predictive value of 80%. In summary, the available evidence is currently insufficient to determine the role of this variant in disease. Therefore, it has been classified as a Variant of Uncertain Significance.